The following is an entry in ClinVar:

ClinVar aggregate classification (germline): Conflicting classifications of pathogenicity. Review status: criteria provided, conflicting classifications (1 of 4 stars). 3 submissions from 3 submitters: Uncertain significance (2); Likely benign (1). Last evaluated 2023-07-26.

Conditions:
Hereditary cancer-predisposing syndrome. Also called: Neoplastic Syndromes, Hereditary; Tumor predisposition; Hereditary Cancer Syndrome; Hereditary neoplastic syndrome. Identifiers: Orphanet 140162, MedGen C0027672, MeSH D009386, MONDO:0015356.
Hereditary breast ovarian cancer syndrome. Also called: Hereditary breast and ovarian cancer syndrome (HBOC); Hereditary breast and ovarian cancer; BRCA1- and BRCA2-Associated Hereditary Breast and Ovarian Cancer; Hereditary breast and ovarian cancer syndrome; Breast and ovarian cancer; Hereditary breast and/or ovarian cancer syndrome. Identifiers: Orphanet 145, MedGen C0677776, MeSH D061325, MONDO:0003582. Disease mechanism: loss of function.

Submissions (3):

Ambry Genetics
Classification: Uncertain significance for Hereditary cancer-predisposing syndrome. Last evaluated: 2023-07-26. Review status: criteria provided, single submitter. Criteria: Ambry Variant Classification Scheme 2023. Collection method: clinical testing. Allele origin: germline.
Comment: The p.I2278T variant (also known as c.6833T>C), located in coding exon 10 of the BRCA2 gene, results from a T to C substitution at nucleotide position 6833. The isoleucine at codon 2278 is replaced by threonine, an amino acid with similar properties. This amino acid position is poorly conserved in available vertebrate species. In addition, this alteration is predicted to be tolerated by in silico analysis. Since supporting evidence is limited at this time, the clinical significance of this alteration remains unclear.

University of Washington Department of Laboratory Medicine, University of Washington
Classification: Likely benign for Hereditary cancer-predisposing syndrome. Last evaluated: 2023-03-23. Review status: criteria provided, single submitter. Criteria: Dines et al. (Genet Med. 2020). Collection method: curation. Allele origin: germline.
Comment: Missense variant in a coldspot region where missense variants are very unlikely to be pathogenic (PMID:31911673).

BRCA2 exon 11 coldspot. Reclassification based on statistical prior probability.

Labcorp Genetics (formerly Invitae), Labcorp
Classification: Uncertain significance for Hereditary breast ovarian cancer syndrome. Last evaluated: 2022-12-04. Review status: criteria provided, single submitter. Criteria: Invitae Variant Classification Sherloc (09022015). Collection method: clinical testing. Allele origin: germline.
Comment: In summary, the available evidence is currently insufficient to determine the role of this variant in disease. Therefore, it has been classified as a Variant of Uncertain Significance. Advanced modeling of protein sequence and biophysical properties (such as structural, functional, and spatial information, amino acid conservation, physicochemical variation, residue mobility, and thermodynamic stability) performed at Invitae indicates that this missense variant is not expected to disrupt BRCA2 protein function. This variant has not been reported in the literature in individuals affected with BRCA2-related conditions. This variant is not present in population databases (gnomAD no frequency). This sequence change replaces isoleucine, which is neutral and non-polar, with threonine, which is neutral and polar, at codon 2278 of the BRCA2 protein (p.Ile2278Thr).

NM_000059.4(BRCA2):c.6833T>C (p.Ile2278Thr)

Gene: BRCA2 (BRCA2 DNA repair associated; plus strand). Cytogenetic location: 13q13.1.
Variant type: single nucleotide variant.
Coding change: c.6833T>C on transcript NM_000059.4 (MANE Select); coding-DNA position 6833, T replaced by C.
Protein change: p.Ile2278Thr; replaces isoleucine 2278 with threonine.
Molecular consequence: missense variant.
Genome position (GRCh38, 1-based): chr13:32,341,188, T>C. VCF-style: chr13-32341188-T-C. GRCh37 (hg19) VCF-style: chr13-32915325-T-C.
Other names: c.6833T>C, p.Ile2278Thr (NM_001406719.1, NM_001406720.1); short protein forms I2278T.
Identifiers: ClinVar variation 1755697 (VCV001755697.8), dbSNP rs1555284865, ClinGen allele CA387791487.
Genomic context (GRCh38, chr13:32,341,188, plus strand): 5'-AAAATGAGGAAATGGTTTTGTCAAATTCAAGAATTGGAAAAAGAAGAGGAGAGCCCCTTA[T>C]CTTAGTGGGTAAGTGTTCATTTTTACCTTTCGTGTTGCCAATCACTATTTTTAAAGTGTT-3'
Protein context (NP_000050.3, residues 2268-2288): RIGKRRGEPL[Ile2278Thr]LVGEPSIKRN